The following is an entry in ClinVar:

ClinVar aggregate classification (germline): Pathogenic (1 of 4 stars; one submission).

Conditions:
Autosomal recessive limb-girdle muscular dystrophy type 2E (LGMDR4). Also called: MUSCULAR DYSTROPHY, LIMB-GIRDLE, AUTOSOMAL RECESSIVE 4. Identifiers: Orphanet 119, MedGen C1858593, MONDO:0011423, OMIM 604286. Disease mechanism: Affects gamma-sarcoglycan and also disrupts the integrity of the entire sarcoglycan complex..

Submission:

Labcorp Genetics (formerly Invitae), Labcorp
Classification: Pathogenic for Autosomal recessive limb-girdle muscular dystrophy type 2E. Last evaluated: 2022-03-01. Review status: criteria provided, single submitter. Criteria: Invitae Variant Classification Sherloc (09022015). Collection method: clinical testing. Allele origin: germline.
Comment: For these reasons, this variant has been classified as Pathogenic. This variant disrupts a region of the SGCB protein in which other variant(s) (p.Arg91Cys) have been determined to be pathogenic (PMID: 9565988, 17994539). This suggests that this is a clinically significant region of the protein, and that variants that disrupt it are likely to be disease-causing. This variant has not been reported in the literature in individuals affected with SGCB-related conditions. This variant is a gross deletion of the genomic region encompassing exon(s) 3-5 of the SGCB gene. This variant would be expected to be in-frame, preserving the integrity of the reading frame.

Literature cited by the submitters: PubMed 9565988; PubMed 17994539.

NC_000004.11:g.(?_52894124)_(52896039_?)del

Gene: SGCB (sarcoglycan beta; minus strand). Cytogenetic location: 4q12.
Variant type: Deletion.
Identifiers: ClinVar variation 2422615 (VCV002422615.6).